The following is an entry in ClinVar:

ClinVar aggregate classification (germline): Uncertain significance (1 of 4 stars; one submission).

Submission:

Labcorp Genetics (formerly Invitae), Labcorp
Classification: Uncertain significance. Last evaluated: 2021-09-21. Review status: criteria provided, single submitter. Criteria: Invitae Variant Classification Sherloc (09022015). Collection method: clinical testing. Allele origin: germline.
Comment: In summary, the available evidence is currently insufficient to determine the role of this variant in disease. Therefore, it has been classified as a Variant of Uncertain Significance. Algorithms developed to predict the effect of sequence changes on RNA splicing suggest that this variant may create or strengthen a splice site. Advanced modeling of protein sequence and biophysical properties (such as structural, functional, and spatial information, amino acid conservation, physicochemical variation, residue mobility, and thermodynamic stability) performed at Invitae indicates that this missense variant is not expected to disrupt ADCY5 protein function. This variant has not been reported in the literature in individuals affected with ADCY5-related conditions. The frequency data for this variant in the population databases is considered unreliable, as metrics indicate insufficient coverage at this position in the ExAC database. This sequence change replaces glycine with serine at codon 112 of the ADCY5 protein (p.Gly112Ser). The glycine residue is moderately conserved and there is a small physicochemical difference between glycine and serine.

NM_183357.3(ADCY5):c.334G>A (p.Gly112Ser)

Gene: ADCY5 (adenylate cyclase 5; minus strand). Cytogenetic location: 3q21.1.
Variant type: single nucleotide variant.
Coding change: c.334G>A on transcript NM_183357.3 (MANE Select); coding-DNA position 334, G replaced by A.
Protein change: p.Gly112Ser; replaces glycine 112 with serine.
Molecular consequence: missense variant.
Genome position (GRCh38, 1-based): chr3:123,448,212, C>T on the plus strand (G>A on the coding strand, the complement: ADCY5 is on the minus strand). VCF-style: chr3-123448212-C-T. GRCh37 (hg19) VCF-style: chr3-123167059-C-T.
Other names: c.334G>A, p.Gly112Ser (NM_001378259.1); short protein forms G112S.
Identifiers: ClinVar variation 1484783 (VCV001484783.6), dbSNP rs1433750011, ClinGen allele CA354358305.